The following is an entry in ClinVar:

NM_000501.4(ELN):c.176G>T (p.Gly59Val)

Gene: ELN (elastin; plus strand). Cytogenetic location: 7q11.23.
Variant type: single nucleotide variant.
Coding change: c.176G>T on transcript NM_000501.4 (MANE Select); coding-DNA position 176, G replaced by T.
Protein change: p.Gly59Val; replaces glycine 59 with valine.
Molecular consequence: missense variant.
Genome position (GRCh38, 1-based): chr7:74,037,719, G>T. VCF-style: chr7-74037719-G-T. GRCh37 (hg19) VCF-style: chr7-73452049-G-T.
Other names: c.146G>T, p.Gly49Val (NM_001081752.3, NM_001278914.2, NM_001278917.2 and 1 more transcripts); c.176G>T, p.Gly59Val (NM_001081753.3, NM_001081754.3, NM_001081755.3 and 5 more transcripts); short protein forms G49V, G59V.
Identifiers: ClinVar variation 2768442 (VCV002768442.3), dbSNP rs782141308, ClinGen allele CA4292353.

ClinVar aggregate classification (germline): Uncertain significance (1 of 4 stars; one submission).

Conditions:
Supravalvar aortic stenosis (SVAS). Also called: Supravalvar aortic stenosis, Eisenberg type. Identifiers: Orphanet 3193, MedGen C0003499, MONDO:0008504, OMIM 185500, HP:0004381.

Allele frequency attached by ClinVar (database versions not stated): gnomAD 0.00001; TOPMed 0.00001.
gnomAD v4.1: 3 of 1,612,322 alleles (0.00019%); highest among the groups gnomAD compares: Non-Finnish European, 0.00025%; no homozygotes.

Submission:

Labcorp Genetics (formerly Invitae), Labcorp
Classification: Uncertain significance for Supravalvar aortic stenosis. Last evaluated: 2024-01-11. Review status: criteria provided, single submitter. Criteria: Invitae Variant Classification Sherloc (09022015). Collection method: clinical testing. Allele origin: germline.
Comment: This sequence change replaces glycine, which is neutral and non-polar, with valine, which is neutral and non-polar, at codon 59 of the ELN protein (p.Gly59Val). This variant is present in population databases (rs782141308, gnomAD 0.0009%). This variant has not been reported in the literature in individuals affected with ELN-related conditions. Advanced modeling of protein sequence and biophysical properties (such as structural, functional, and spatial information, amino acid conservation, physicochemical variation, residue mobility, and thermodynamic stability) performed at Invitae indicates that this missense variant is not expected to disrupt ELN protein function with a negative predictive value of 80%. In summary, the available evidence is currently insufficient to determine the role of this variant in disease. Therefore, it has been classified as a Variant of Uncertain Significance.